The following is an entry in ClinVar:

ClinVar aggregate classification (germline): Likely benign (1 of 4 stars; one submission).

Conditions:
Hereditary sensory and autonomic neuropathy with spastic paraplegia (HSNSP). Identifiers: Orphanet 139578, MedGen C1850395, MONDO:0009748, OMIM 256840.

Allele frequency attached by ClinVar (database versions not stated): gnomAD 0.00051 and 0.00054; TOPMed 0.00077; 1000 Genomes Project 0.00080; 1000 Genomes Project 30x 0.00094.

Submission:

Illumina Laboratory Services, Illumina
Classification: Likely benign for Hereditary sensory and autonomic neuropathy with spastic paraplegia. Last evaluated: 2018-01-12. Review status: criteria provided, single submitter. Criteria: ICSL Variant Classification Criteria 13 December 2019. Collection method: clinical testing. Allele origin: germline.
Comment: This variant was observed in the ICSL laboratory as part of a predisposition screen in an ostensibly healthy population. It had not been previously curated by ICSL or reported in the Human Gene Mutation Database (HGMD: prior to June 1st, 2018), and was therefore a candidate for classification through an automated scoring system. Utilizing variant allele frequency, disease prevalence and penetrance estimates, and inheritance mode, an automated score was calculated to assess if this variant is too frequent to cause the disease. Based on the score and internal cut-off values, a variant classified as likely benign is not then subjected to further curation. The score for this variant resulted in a classification of likely benign for this disease.

NM_012073.5(CCT5):c.*1087A>T

Gene: CCT5 (chaperonin containing TCP1 subunit 5; plus strand). Cytogenetic location: 5p15.2.
Variant type: single nucleotide variant.
Coding change: c.*1087A>T on transcript NM_012073.5 (MANE Select); 1087 bases downstream of the stop codon, A replaced by T.
Molecular consequence: 3 prime UTR variant.
Genome position (GRCh38, 1-based): chr5:10,265,870, A>T. VCF-style: chr5-10265870-A-T. GRCh37 (hg19) VCF-style: chr5-10265982-A-T.
Other names: c.*1087A>T (NM_001306153.1, NM_001306154.2, NM_001306155.2 and 1 more transcripts).
Identifiers: ClinVar variation 350286 (VCV000350286.5), dbSNP rs190835896, ClinGen allele CA10618726.